The following is an entry in ClinVar:

NM_198576.4(AGRN):c.1384+3G>A

Gene: AGRN (agrin; plus strand). Cytogenetic location: 1p36.33.
Variant type: single nucleotide variant.
Coding change: c.1384+3G>A on transcript NM_198576.4 (MANE Select); 3 bases into the intron after coding-DNA position 1384, G replaced by A.
Molecular consequence: intron variant.
Genome position (GRCh38, 1-based): chr1:1,042,165, G>A. VCF-style: chr1-1042165-G-A. GRCh37 (hg19) VCF-style: chr1-977545-G-A.
Other names: c.1384+3G>A (NM_001305275.2); c.1069+3G>A (NM_001364727.2).
Identifiers: ClinVar variation 1386405 (VCV001386405.6), dbSNP rs1644962420, ClinGen allele CA1148759811.
Genomic context (GRCh38, chr1:1,042,165, plus strand): 5'-CAGCAGGCTGAGTGCCGGCAGCAGCGTGCCATCCCCAGCAAGCACCAGGGCCCGTGTGGT[G>A]AGCGCCCCGGGGTGGAGGCCAGGCGGGGTGGGCTGCTCCTGCGTCAGTCCCTGCCTGGAC-3'

ClinVar aggregate classification (germline): Uncertain significance (1 of 4 stars; one submission).

Conditions:
Congenital myasthenic syndrome 8. Also called: MYASTHENIC SYNDROME, CONGENITAL, DUE TO AGRIN DEFICIENCY; Myasthenic syndrome, congenital, 8, with pre- and postsynaptic defects. Identifiers: Orphanet 590, MedGen C3808739, MONDO:0014052, OMIM 615120.

Allele frequency attached by ClinVar (database versions not stated): gnomAD exomes below 0.00001.
gnomAD v4.1: 3 of 1,592,010 alleles (0.00019%); highest among the groups gnomAD compares: Non-Finnish European, 0.00017%; no homozygotes.

Submission:

Labcorp Genetics (formerly Invitae), Labcorp
Classification: Uncertain significance for Congenital myasthenic syndrome 8. Last evaluated: 2021-10-12. Review status: criteria provided, single submitter. Criteria: Invitae Variant Classification Sherloc (09022015). Collection method: clinical testing. Allele origin: germline.
Comment: In summary, the available evidence is currently insufficient to determine the role of this variant in disease. Therefore, it has been classified as a Variant of Uncertain Significance. Variants that disrupt the consensus splice site are a relatively common cause of aberrant splicing (PMID: 17576681, 9536098). Algorithms developed to predict the effect of sequence changes on RNA splicing suggest that this variant is not likely to affect RNA splicing. This variant has not been reported in the literature in individuals affected with AGRN-related conditions. This variant is not present in population databases (ExAC no frequency). This sequence change falls in intron 7 of the AGRN gene. It does not directly change the encoded amino acid sequence of the AGRN protein. It affects a nucleotide within the consensus splice site.

Literature cited by the submitters: PubMed 17576681; PubMed 9536098.